The following is an entry in ClinVar:

ClinVar aggregate classification (germline): Uncertain significance (1 of 4 stars; one submission).

Conditions:
Congenital contractural arachnodactyly (CCA). Also called: BEALS SYNDROME; Arthrogryposis, distal, type 9; Beals-Hecht syndrome. Identifiers: Orphanet 115, MedGen C0220668, MONDO:0007363, OMIM 121050.

Submission:

Labcorp Genetics (formerly Invitae), Labcorp
Classification: Uncertain significance for Congenital contractural arachnodactyly. Last evaluated: 2025-06-09. Review status: criteria provided, single submitter. Criteria: Invitae Variant Classification Sherloc (09022015). Collection method: clinical testing. Allele origin: germline.
Comment: This sequence change replaces proline, which is neutral and non-polar, with arginine, which is basic and polar, at codon 1303 of the FBN2 protein (p.Pro1303Arg). This variant is present in population databases (no rsID available, gnomAD 0.0009%). This variant has not been reported in the literature in individuals affected with FBN2-related conditions. ClinVar contains an entry for this variant (Variation ID: 3628490). Invitae Evidence Modeling of protein sequence and biophysical properties (such as structural, functional, and spatial information, amino acid conservation, physicochemical variation, residue mobility, and thermodynamic stability) has been performed for this missense variant. However, the output from this modeling did not meet the statistical confidence thresholds required to predict the impact of this variant on FBN2 protein function. In summary, the available evidence is currently insufficient to determine the role of this variant in disease. Therefore, it has been classified as a Variant of Uncertain Significance.

NM_001999.4(FBN2):c.3908C>G (p.Pro1303Arg)

Gene: FBN2 (fibrillin 2; minus strand). Cytogenetic location: 5q23.3.
Variant type: single nucleotide variant.
Coding change: c.3908C>G on transcript NM_001999.4 (MANE Select); coding-DNA position 3908, C replaced by G.
Protein change: p.Pro1303Arg; replaces proline 1303 with arginine.
Molecular consequence: missense variant.
Genome position (GRCh38, 1-based): chr5:128,335,235, G>C on the plus strand (C>G on the coding strand, the complement: FBN2 is on the minus strand). VCF-style: chr5-128335235-G-C. GRCh37 (hg19) VCF-style: chr5-127670927-G-C.
Other names: short protein forms P1303R.
Identifiers: ClinVar variation 3628490 (VCV003628490.2).
Genomic context (GRCh38, chr5:128,335,235, plus strand): 5'-CATGTTTTCATGTCCATGGAAGCCATGAAGCCATCATAGCAGAGGCAGCGATACTCTCCA[G>C]GAATGTTGGTACACTGGCCGCCATCACAGATATCAGGATTGTTTTCACATTCATCAATGT-3'
Protein context (NP_001990.2, residues 1293-1313): ICDGGQCTNI[Pro1303Arg]GEYRCLCYDG